The following is an entry in ClinVar:

ClinVar aggregate classification (germline): Uncertain significance (1 of 4 stars; one submission).

Conditions:
Ataxia-telangiectasia syndrome (AT). Also called: ATAXIA-TELANGIECTASIA, COMPLEMENTATION GROUP A; ATAXIA-TELANGIECTASIA, FRESNO VARIANT; Ataxia-telangiectasia; Ataxia-telangiectasia, complementation group E; LOUIS-BAR SYNDROME; Cerebello-oculocutaneous telangiectasia. Identifiers: Orphanet 100, MedGen C0004135, MONDO:0008840, OMIM 208900.

Submission:

Labcorp Genetics (formerly Invitae), Labcorp
Classification: Uncertain significance for Ataxia-telangiectasia syndrome. Last evaluated: 2022-04-16. Review status: criteria provided, single submitter. Criteria: Invitae Variant Classification Sherloc (09022015). Collection method: clinical testing. Allele origin: germline.
Comment: This sequence change replaces valine, which is neutral and non-polar, with leucine, which is neutral and non-polar, at codon 2886 of the ATM protein (p.Val2886Leu). This variant has not been reported in the literature in individuals affected with ATM-related conditions. Advanced modeling of protein sequence and biophysical properties (such as structural, functional, and spatial information, amino acid conservation, physicochemical variation, residue mobility, and thermodynamic stability) performed at Invitae indicates that this missense variant is expected to disrupt ATM protein function. In summary, the available evidence is currently insufficient to determine the role of this variant in disease. Therefore, it has been classified as a Variant of Uncertain Significance. This variant is not present in population databases (gnomAD no frequency).

NM_000051.4(ATM):c.8656G>C (p.Val2886Leu)

Genes: ATM (ATM serine/threonine kinase; plus strand), C11orf65 (chromosome 11 open reading frame 65; minus strand). Cytogenetic location: 11q22.3.
Variant type: single nucleotide variant.
Coding change: c.8656G>C on transcript NM_000051.4 (MANE Select); coding-DNA position 8656, G replaced by C.
Protein change: p.Val2886Leu; replaces valine 2886 with leucine.
Molecular consequence: missense variant. On other transcripts: intron variant (2).
Genome position (GRCh38, 1-based): chr11:108,347,350, G>C. VCF-style: chr11-108347350-G-C. GRCh37 (hg19) VCF-style: chr11-108218077-G-C.
Other names: c.8656G>C, p.Val2886Leu (NM_001351834.2); c.641-38279C>G (NM_001330368.2); c.695-12058C>G (NM_001351110.2); short protein forms V2886L.
Identifiers: ClinVar variation 2126984 (VCV002126984.4), dbSNP rs1064795066, ClinGen allele CA382521171.